The following is an entry in ClinVar:

ClinVar aggregate classification (germline): Uncertain significance (1 of 4 stars; one submission).

Conditions:
Charcot-Marie-Tooth disease type 4. Also called: Charcot-Marie-Tooth disease, type IV; Charcot-Marie-Tooth, Type 4. Identifiers: Orphanet 64749, MedGen C4082197, MONDO:0018995.

Allele frequency attached by ClinVar (database versions not stated): gnomAD exomes below 0.00001; gnomAD 0.00001; TOPMed 0.00002.
gnomAD v4.1: 3 of 1,613,048 alleles (0.00019%); highest among the groups gnomAD compares: Admixed American, 0.0033%; no homozygotes.

Submission:

Labcorp Genetics (formerly Invitae), Labcorp
Classification: Uncertain significance for Charcot-Marie-Tooth disease type 4. Last evaluated: 2022-11-01. Review status: criteria provided, single submitter. Criteria: Invitae Variant Classification Sherloc (09022015). Collection method: clinical testing. Allele origin: germline.
Comment: This sequence change replaces leucine, which is neutral and non-polar, with phenylalanine, which is neutral and non-polar, at codon 1156 of the SBF2 protein (p.Leu1156Phe). This variant is not present in population databases (gnomAD no frequency). This variant has not been reported in the literature in individuals affected with SBF2-related conditions. ClinVar contains an entry for this variant (Variation ID: 576374). Advanced modeling of protein sequence and biophysical properties (such as structural, functional, and spatial information, amino acid conservation, physicochemical variation, residue mobility, and thermodynamic stability) performed at Invitae indicates that this missense variant is expected to disrupt SBF2 protein function. In summary, the available evidence is currently insufficient to determine the role of this variant in disease. Therefore, it has been classified as a Variant of Uncertain Significance.

NM_030962.4(SBF2):c.3466C>T (p.Leu1156Phe)

Gene: SBF2 (SET binding factor 2; minus strand). Cytogenetic location: 11p15.4.
Variant type: single nucleotide variant.
Coding change: c.3466C>T on transcript NM_030962.4 (MANE Select); coding-DNA position 3466, C replaced by T.
Protein change: p.Leu1156Phe; replaces leucine 1156 with phenylalanine.
Molecular consequence: missense variant.
Genome position (GRCh38, 1-based): chr11:9,832,410, G>A on the plus strand (C>T on the coding strand, the complement: SBF2 is on the minus strand). VCF-style: chr11-9832410-G-A. GRCh37 (hg19) VCF-style: chr11-9853957-G-A.
Other names: c.3466C>T, p.Leu1156Phe (NM_001386339.1); c.3337C>T, p.Leu1113Phe (NM_001386342.1); short protein forms L1156F, L1113F.
Identifiers: ClinVar variation 576374 (VCV000576374.6), dbSNP rs1433995523, ClinGen allele CA379645909.
Genomic context (GRCh38, chr11:9,832,410, plus strand): 5'-GATAGCAGCGAGCTACTCTTGGTAAACTACTGTCCTGTACAGCTTGAGGTACGACTAAAA[G>A]GCCAGGATAGCTTCAGAGACATAGAATAGAGAAGAGAATGATTGGGGGAAGGAACAGAGG-3'
Protein context (NP_112224.1, residues 1146-1166): MYSLCRSYPG[Leu1156Phe]LVVPQAVQDS